The following is an entry in ClinVar:

NM_015662.3(IFT172):c.800A>G (p.Asn267Ser)

Gene: IFT172 (intraflagellar transport 172; minus strand). Cytogenetic location: 2p23.3.
Variant type: single nucleotide variant.
Coding change: c.800A>G on transcript NM_015662.3 (MANE Select); coding-DNA position 800, A replaced by G.
Protein change: p.Asn267Ser; replaces asparagine 267 with serine.
Molecular consequence: missense variant.
Genome position (GRCh38, 1-based): chr2:27,480,135, T>C on the plus strand (A>G on the coding strand, the complement: IFT172 is on the minus strand). VCF-style: chr2-27480135-T-C. GRCh37 (hg19) VCF-style: chr2-27703002-T-C.
Other names: c.800A>G, p.Asn267Ser (NM_001410739.1); c.800A>G (NM_015662.2); short protein forms N267S.
Identifiers: ClinVar variation 2176081 (VCV002176081.3), dbSNP rs1364955385, ClinGen allele CA346397455.

ClinVar aggregate classification (germline): Uncertain significance. Review status: criteria provided, multiple submitters, no conflicts (2 of 4 stars). 3 submissions from 3 submitters: Uncertain significance (3). Last evaluated 2025-09-11.

Conditions:
IFT172-related disorder. Also called: IFT172-related disorders; IFT172-related condition.
Retinitis pigmentosa 71 (RP71). Identifiers: Orphanet 791, MedGen C4225342, MONDO:0014618, OMIM 616394.
Short-rib thoracic dysplasia 10 with or without polydactyly (SRTD10). Identifiers: Orphanet 474, MedGen C3810175, MONDO:0014284, OMIM 615630.

Allele frequency attached by ClinVar (database versions not stated): gnomAD 0.00001; TOPMed 0.00001.
gnomAD v4.1: 15 of 1,613,828 alleles (0.00093%); highest among the groups gnomAD compares: Middle Eastern, 0.033%; no homozygotes.

Submissions (3):

PreventionGenetics, part of Exact Sciences
Classification: Uncertain significance for IFT172-related condition. Last evaluated: 2025-09-11. Review status: criteria provided, single submitter. Criteria: ACMG Guidelines, 2015. Collection method: clinical testing. Allele origin: germline.
Comment: The IFT172 c.800A>G variant is predicted to result in the amino acid substitution p.Asn267Ser. To our knowledge, this variant has not been reported in the literature or in a large population database (gnomAD), indicating this variant is rare. At this time, the clinical significance of this variant is uncertain due to the absence of conclusive functional and genetic evidence.

Blueprint Genetics
Classification: Uncertain significance. Last evaluated: 2023-05-04. Review status: criteria provided, single submitter. Criteria: ACMG Guidelines, 2015. Collection method: clinical testing. Allele origin: germline.

Labcorp Genetics (formerly Invitae), Labcorp
Classification: Uncertain significance for Retinitis pigmentosa 71; Short-rib thoracic dysplasia 10 with or without polydactyly. Last evaluated: 2022-08-03. Review status: criteria provided, single submitter. Criteria: Invitae Variant Classification Sherloc (09022015). Collection method: clinical testing. Allele origin: germline.
Comment: This sequence change replaces asparagine, which is neutral and polar, with serine, which is neutral and polar, at codon 267 of the IFT172 protein (p.Asn267Ser). This variant is not present in population databases (gnomAD no frequency). This variant has not been reported in the literature in individuals affected with IFT172-related conditions. Algorithms developed to predict the effect of missense changes on protein structure and function (SIFT, PolyPhen-2, Align-GVGD) all suggest that this variant is likely to be tolerated. In summary, the available evidence is currently insufficient to determine the role of this variant in disease. Therefore, it has been classified as a Variant of Uncertain Significance.